The following is an entry in ClinVar:

NM_153704.6(TMEM67):c.1704dup (p.Gly569fs)

Gene: TMEM67 (transmembrane protein 67; plus strand). Cytogenetic location: 8q22.1.
Variant type: Duplication.
Coding change: c.1704dup on transcript NM_153704.6 (MANE Select); coding-DNA position 1704, one base duplicated (T; older notation c.1704dupT).
Protein change: p.Gly569fs; shifts the reading frame from glycine 569.
Molecular consequence: frameshift variant. On other transcripts: non-coding transcript variant (1).
Genome position (GRCh38, 1-based): chr8:93,795,438, T duplicated. VCF-style (leftmost placement, unchanged base first): chr8-93795437-C-CT. GRCh37 (hg19) VCF-style: chr8-94807665-C-CT.
Other names: c.1461dup, p.Gly488fs (NM_001142301.1); short protein forms G488fs, G569fs.
Identifiers: ClinVar variation 2945228 (VCV002945228.3), dbSNP rs2536896644, ClinGen allele CA2740095099.

ClinVar aggregate classification (germline): Pathogenic (1 of 4 stars; one submission).

Conditions:
Joubert syndrome. Also called: CEREBELLOPARENCHYMAL DISORDER IV; JOUBERT-BOLTSHAUSER SYNDROME; Familial aplasia of the vermis. Identifiers: Orphanet 475, MedGen C5979921, MONDO:0018772.
Meckel-Gruber syndrome. Also called: DYSENCEPHALIA SPLANCHNOCYSTICA; GRUBER SYNDROME; Dysencephalia splachnocystica. Identifiers: Orphanet 564, MedGen C0265215, MONDO:0018921.

Submission:

Labcorp Genetics (formerly Invitae), Labcorp
Classification: Pathogenic for Joubert syndrome; Meckel-Gruber syndrome. Last evaluated: 2023-12-02. Review status: criteria provided, single submitter. Criteria: Invitae Variant Classification Sherloc (09022015). Collection method: clinical testing. Allele origin: germline.
Comment: This sequence change creates a premature translational stop signal (p.Gly569Trpfs*2) in the TMEM67 gene. It is expected to result in an absent or disrupted protein product. Loss-of-function variants in TMEM67 are known to be pathogenic (PMID: 20232449, 23559409). This variant is not present in population databases (gnomAD no frequency). This variant has not been reported in the literature in individuals affected with TMEM67-related conditions. Algorithms developed to predict the effect of sequence changes on RNA splicing suggest that this variant may disrupt the consensus splice site. For these reasons, this variant has been classified as Pathogenic.

Literature cited by the submitters: PubMed 20232449; PubMed 23559409.